The following is an entry in ClinVar:

NM_016955.4(SEPSECS):c.596G>A (p.Arg199His)

Gene: SEPSECS (Sep (O-phosphoserine) tRNA:Sec (selenocysteine) tRNA synthase; minus strand). Cytogenetic location: 4p15.2.
Variant type: single nucleotide variant.
Coding change: c.596G>A on transcript NM_016955.4 (MANE Select); coding-DNA position 596, G replaced by A.
Protein change: p.Arg199His; replaces arginine 199 with histidine.
Molecular consequence: missense variant.
Genome position (GRCh38, 1-based): chr4:25,155,103, C>T on the plus strand (G>A on the coding strand, the complement: SEPSECS is on the minus strand). VCF-style: chr4-25155103-C-T. GRCh37 (hg19) VCF-style: chr4-25156725-C-T.
Other names: c.851G>A, p.Arg284His (NM_001410714.1); c.596G>A, p.Arg199His (NM_153825.2); short protein forms R199H, R284H.
Identifiers: ClinVar variation 2201388 (VCV002201388.1), dbSNP rs546059546, ClinGen allele CA2877393.

ClinVar aggregate classification (germline): Uncertain significance (1 of 4 stars; one submission).

Allele frequency attached by ClinVar (database versions not stated): gnomAD 0.00001; 1000 Genomes Project 30x 0.00031; 1000 Genomes Project 0.00040.

Submission:

Labcorp Genetics (formerly Invitae), Labcorp
Classification: Uncertain significance. Last evaluated: 2022-03-18. Review status: criteria provided, single submitter. Criteria: Invitae Variant Classification Sherloc (09022015). Collection method: clinical testing. Allele origin: germline.
Comment: This sequence change replaces arginine, which is basic and polar, with histidine, which is basic and polar, at codon 199 of the SEPSECS protein (p.Arg199His). This variant is present in population databases (rs546059546, gnomAD 0.003%). This variant has not been reported in the literature in individuals affected with SEPSECS-related conditions. Algorithms developed to predict the effect of missense changes on protein structure and function output the following: SIFT: "Tolerated"; PolyPhen-2: "Benign"; Align-GVGD: "Class C0". The histidine amino acid residue is found in multiple mammalian species, which suggests that this missense change does not adversely affect protein function. In summary, the available evidence is currently insufficient to determine the role of this variant in disease. Therefore, it has been classified as a Variant of Uncertain Significance.